The following is an entry in ClinVar:

NM_001031689.3(PLAA):c.1966C>G (p.Gln656Glu)

Gene: PLAA (phospholipase A2 activating protein; minus strand). Cytogenetic location: 9p21.2.
Variant type: single nucleotide variant.
Coding change: c.1966C>G on transcript NM_001031689.3 (MANE Select); coding-DNA position 1966, C replaced by G.
Protein change: p.Gln656Glu; replaces glutamine 656 with glutamic acid.
Molecular consequence: missense variant.
Genome position (GRCh38, 1-based): chr9:26,905,933, G>C on the plus strand (C>G on the coding strand, the complement: PLAA is on the minus strand). VCF-style: chr9-26905933-G-C. GRCh37 (hg19) VCF-style: chr9-26905931-G-C.
Other names: c.1897C>G, p.Gln633Glu (NM_001321546.2); short protein forms Q633E, Q656E.
Identifiers: ClinVar variation 2009457 (VCV002009457.4), dbSNP rs1824221487, ClinGen allele CA373126952.
Genomic context (GRCh38, chr9:26,905,933, plus strand): 5'-TGAGTTTTTGTCCTGCCTGGCCAACAAAACAATTGCAAAAAGTCCTGAGAGCAAGCAGCT[G>C]GTTTGCTGGCTTTCCTTTAGGGTTCAGAAGATTGATAAGATGACTGCTGAACTGAGCCCC-3'
Protein context (NP_001026859.1, residues 646-666): LLNPKGKPAN[Gln656Glu]LLALRTFCNC

ClinVar aggregate classification (germline): Uncertain significance (1 of 4 stars; one submission).

Submission:

Labcorp Genetics (formerly Invitae), Labcorp
Classification: Uncertain significance. Last evaluated: 2022-06-22. Review status: criteria provided, single submitter. Criteria: Invitae Variant Classification Sherloc (09022015). Collection method: clinical testing. Allele origin: germline.
Comment: In summary, the available evidence is currently insufficient to determine the role of this variant in disease. Therefore, it has been classified as a Variant of Uncertain Significance. Algorithms developed to predict the effect of missense changes on protein structure and function are either unavailable or do not agree on the potential impact of this missense change (SIFT: "Deleterious"; PolyPhen-2: "Probably Damaging"; Align-GVGD: "Class C0"). This variant has not been reported in the literature in individuals affected with PLAA-related conditions. This variant is not present in population databases (gnomAD no frequency). This sequence change replaces glutamine, which is neutral and polar, with glutamic acid, which is acidic and polar, at codon 656 of the PLAA protein (p.Gln656Glu).